The following is an entry in ClinVar:

NM_000447.3(PSEN2):c.208G>A (p.Gly70Arg)

Gene: PSEN2 (presenilin 2; plus strand). Cytogenetic location: 1q42.13.
Variant type: single nucleotide variant.
Coding change: c.208G>A on transcript NM_000447.3 (MANE Select); coding-DNA position 208, G replaced by A.
Protein change: p.Gly70Arg; replaces glycine 70 with arginine.
Molecular consequence: missense variant.
Genome position (GRCh38, 1-based): chr1:226,883,771, G>A. VCF-style: chr1-226883771-G-A. GRCh37 (hg19) VCF-style: chr1-227071472-G-A.
Other names: c.208G>A, p.Gly70Arg (NM_012486.3); short protein forms G70R.
Identifiers: ClinVar variation 192129 (VCV000192129.22), dbSNP rs139972151, ClinGen allele CA238430.
Genomic context (GRCh38, chr1:226,883,771, plus strand): 5'-CAGGAGAACGAGGAGGACGGTGAGGAGGACCCTGACCGCTATGTCTGTAGTGGGGTTCCC[G>A]GGCGGCCGCCAGGCCTGGAGGAAGAGCTGACCCTCAAATACGGAGCGAAGCACGTGATCA-3'
Protein context (NP_000438.2, residues 60-80): PDRYVCSGVP[Gly70Arg]RPPGLEEELT

ClinVar aggregate classification (germline): Conflicting classifications of pathogenicity. Review status: criteria provided, conflicting classifications (1 of 4 stars). 5 submissions from 5 submitters: Uncertain significance (3); Likely benign (1). 1 of the submissions does not count toward it. Last evaluated 2025-07-28.

Conditions:
PSEN2-related disorder. Also called: PSEN2-related condition.
Alzheimer disease 4 (AD4). Identifiers: Orphanet 1020, MedGen C1847200, MONDO:0011743, OMIM 606889.

Allele frequency attached by ClinVar (database versions not stated): gnomAD 0.00005 and 0.00006; gnomAD exomes 0.00005 and 0.00006; ExAC 0.00006; TOPMed 0.00007; ESP Exome Variant Server 0.00008.
gnomAD v4.1: 76 of 1,614,072 alleles (0.0047%); highest among the groups gnomAD compares: Non-Finnish European, 0.0058%; no homozygotes.

Submissions (5):

PreventionGenetics, part of Exact Sciences
Classification: Uncertain significance for PSEN2-related condition. Last evaluated: 2025-07-28. Review status: criteria provided, single submitter. Criteria: ACMG Guidelines, 2015. Collection method: clinical testing. Allele origin: germline.
Comment: The PSEN2 c.208G>A variant is predicted to result in the amino acid substitution p.Gly70Arg. This variant was reported in a patient with early-onset Alzheimer's disease (Wojtas et al. 2012. PubMed ID: 23383383) and as a likely benign variant in a study of patients with coronary artery disease risk (Ng et al. 2013. PubMed ID: 23861362). It is reported in 0.011% of alleles in individuals of European (Non-Finnish) descent in gnomAD. At this time, the clinical significance of this variant is uncertain due to the absence of conclusive functional and genetic evidence.

Labcorp Genetics (formerly Invitae), Labcorp
Classification: Uncertain significance for Alzheimer disease 4. Last evaluated: 2025-02-04. Review status: criteria provided, single submitter. Criteria: Invitae Variant Classification Sherloc (09022015). Collection method: clinical testing. Allele origin: germline.
Comment: This sequence change replaces glycine, which is neutral and non-polar, with arginine, which is basic and polar, at codon 70 of the PSEN2 protein (p.Gly70Arg). This variant is present in population databases (rs139972151, gnomAD 0.009%). This missense change has been observed in individual(s) with Alzheimer disease (PMID: 23383383). ClinVar contains an entry for this variant (Variation ID: 192129). An algorithm developed to predict the effect of missense changes on protein structure and function (PolyPhen-2) suggests that this variant is likely to be tolerated. In summary, the available evidence is currently insufficient to determine the role of this variant in disease. Therefore, it has been classified as a Variant of Uncertain Significance.

ARUP Laboratories, Molecular Genetics and Genomics, ARUP Laboratories
Classification: Uncertain significance. Last evaluated: 2021-10-29. Review status: criteria provided, single submitter. Criteria: ARUP Molecular Germline Variant Investigation Process 2021. Collection method: clinical testing. Allele origin: germline.
Comment: The PSEN2 c.208G>A; p.Gly70Arg variant (rs139972151) has been described in at least two individuals who had a clinical diagnosis of Alzheimer’s disease, but no additional clinical information was available (Wojtas 2012, see link to Alzheimer’s Association International Conference (AAIC) 2019 abstract). This variant contains an entry in ClinVar (Variation ID: 192129), and is found in the non-Finnish European population with an allele frequency of 0.011% (14/129028 alleles) in the Genome Aggregation Database. The glycine at codon 70 is weakly conserved, but computational analyses are uncertain whether this variant is neutral or deleterious (REVEL: 0.456). However, given the lack of clinical and functional data, the significance of the p.Gly70Arg variant is uncertain at this time. REFERENCES Wojtas A et al. C9ORF72 repeat expansions and other FTD gene mutations in a clinical AD patient series from Mayo Clinic. Am J Neurodegener Dis. 2012;1(1):107-18. PMID: 23383383. Link to AAIC 2019 P3-120 abstract

Biesecker Lab/Clinical Genomics Section, National Institutes of Health
Classification: Likely benign. Last evaluated: 2013-06-24. Review status: criteria provided, single submitter. Criteria: Ng et al. (Circ Cardiovasc Genet. 2013). Collection method: research. Allele origin: unknown. Observed: 2 variant alleles. Study: ClinSeq.
Comment: The study set was not selected for affection status in relation to any cancer. Pathogenicity categories were based on literature curation. See Pubmed ID:23861362 for details.

Medical sequencing

Department of Pathology and Laboratory Medicine, Sinai Health System
Classification: Uncertain significance. Review status: no assertion criteria provided. Collection method: clinical testing. Allele origin: unknown. Affected: yes. Study: The Canadian Open Genetics Repository (COGR). Not counted in ClinVar's aggregate classification.
Comment: The PSEN2 p.Gly70Arg variant was identified in 1 of 454 proband chromosomes (frequency: 0.0022) from a cohort of 227 unrelated probands clinically diagnosed for Alzheimer disease with symptoms occuring before 70 years old (Wojtas_2012_PMID:23383383). The variant was identified in dbSNP (ID: rs139972151) and ClinVar (classified as likely benign by Biesecker Lab). The variant was identified in control databases in 17 of 282688 chromosomes at a frequency of 0.00006014 (Genome Aggregation Database March 6, 2019, v2.1.1). The variant was observed in the following populations: European (non-Finnish) in 14 of 129028 chromosomes (freq: 0.000109), Latino in 2 of 35436 chromosomes (freq: 0.000056) and South Asian in 1 of 30616 chromosomes (freq: 0.000033), but was not observed in the African, Ashkenazi Jewish, East Asian, European (Finnish), or Other populations. The p.Gly70 residue is conserved in mammals and computational analyses (PolyPhen-2, SIFT, AlignGVGD, BLOSUM, MutationTaster) provide inconsistent predictions regarding the impact to the protein; this information is not very predictive of pathogenicity. The variant occurs outside of the splicing consensus sequence and in silico or computational prediction software programs (SpliceSiteFinder, MaxEntScan, NNSPLICE, GeneSplicer) do not predict a difference in splicing. In summary, based on the above information the clinical significance of this variant cannot be determined with certainty at this time. This variant is classified as a variant of uncertain significance.

Literature cited by the submitters: PubMed 23383383 (cited by Labcorp Genetics (formerly Invitae), Labcorp).